The following is an entry in ClinVar:

NC_000003.12:g.(?_149173694)_(149182153_?)del

Gene: CP (ceruloplasmin; minus strand). Cytogenetic location: 3q24.
Variant type: Deletion.
Identifiers: ClinVar variation 832422 (VCV000832422.6).

ClinVar aggregate classification (germline): Uncertain significance (1 of 4 stars; one submission).

Conditions:
Deficiency of ferroxidase (ACEP). Also called: NEURODEGENERATION WITH BRAIN IRON ACCUMULATION 10; Deficiency of ceruloplasmin; Aceruloplasminemia; Ceruloplasmin deficiency; Familial apoceruloplasmin deficiency; Hereditary ceruloplasmin deficiency. Identifiers: Orphanet 48818, MedGen C0878682, MONDO:0011426, OMIM 604290, HP:0025498.

Submission:

Labcorp Genetics (formerly Invitae), Labcorp
Classification: Uncertain significance for Deficiency of ferroxidase. Last evaluated: 2019-07-16. Review status: criteria provided, single submitter. Criteria: Invitae Variant Classification Sherloc (09022015). Collection method: clinical testing. Allele origin: germline.
Comment: In summary, the available evidence is currently insufficient to determine the role of this variant in disease. Therefore, it has been classified as a Variant of Uncertain Significance. Experimental studies and prediction algorithms are not available or were not evaluated for this variant, and the functional significance of the affected amino acid(s) is currently unknown. This variant has not been reported in the literature in individuals with CP-related conditions. This variant is a gross deletion of the genomic region encompassing exons 14-19 of the CP gene. The 5' boundary is likely confined to intron 13. The 3' end of this event is unknown as it extends through the termination codon beyond the assayed region for this gene and may encompass additional genes. While this deletion is not anticipated to result in nonsense mediated decay, it is expected to create a truncated protein product or disrupt mRNA translation.